The following is an entry in ClinVar:

ClinVar aggregate classification (germline): Uncertain significance (1 of 4 stars; one submission).

Conditions:
Charcot-Marie-Tooth disease dominant intermediate B (CMTDIB). Also called: CHARCOT-MARIE-TOOTH NEUROPATHY, DOMINANT INTERMEDIATE B; Charcot-Marie-Tooth disease dominant intermediate 1; CMT DI1; Charcot-Marie-Tooth disease dominant intermediate I. Identifiers: Orphanet 100044, Orphanet 228179, MedGen C1847902, MONDO:0011674, OMIM 606482.

Allele frequency attached by ClinVar (database versions not stated): gnomAD 0.00001.
gnomAD v4.1: 1 of 1,613,960 alleles (0.000062%); highest among the groups gnomAD compares: Admixed American, 0.0017%; no homozygotes.

Submission:

Labcorp Genetics (formerly Invitae), Labcorp
Classification: Uncertain significance for Charcot-Marie-Tooth disease dominant intermediate B. Last evaluated: 2021-12-18. Review status: criteria provided, single submitter. Criteria: Invitae Variant Classification Sherloc (09022015). Collection method: clinical testing. Allele origin: germline.
Comment: This sequence change falls in intron 2 of the DNM2 gene. It does not directly change the encoded amino acid sequence of the DNM2 protein. It affects a nucleotide within the consensus splice site. This variant is present in population databases (no rsID available, gnomAD 0.0009%). This variant has not been reported in the literature in individuals affected with DNM2-related conditions. Variants that disrupt the consensus splice site are a relatively common cause of aberrant splicing (PMID: 17576681, 9536098). Algorithms developed to predict the effect of sequence changes on RNA splicing suggest that this variant may disrupt the consensus splice site. In summary, the available evidence is currently insufficient to determine the role of this variant in disease. Therefore, it has been classified as a Variant of Uncertain Significance.

Literature cited by the submitters: PubMed 17576681; PubMed 9536098.

NM_001005361.3(DNM2):c.235+4A>G

Gene: DNM2 (dynamin 2; plus strand). Cytogenetic location: 19p13.2.
Variant type: single nucleotide variant.
Coding change: c.235+4A>G on transcript NM_001005361.3 (MANE Select); 4 bases into the intron after coding-DNA position 235, A replaced by G.
Molecular consequence: intron variant.
Genome position (GRCh38, 1-based): chr19:10,759,815, A>G. VCF-style: chr19-10759815-A-G. GRCh37 (hg19) VCF-style: chr19-10870491-A-G.
Other names: c.235+4A>G (NM_001005360.3, NM_001190716.2, NM_004945.4 and 1 more transcripts).
Identifiers: ClinVar variation 1934612 (VCV001934612.5), dbSNP rs1427346478, ClinGen allele CA631738725.